The following is an entry in ClinVar:

NM_017780.4(CHD7):c.3721C>G (p.Leu1241Val)

Gene: CHD7 (chromodomain helicase DNA binding protein 7; plus strand). Cytogenetic location: 8q12.2.
Variant type: single nucleotide variant.
Coding change: c.3721C>G on transcript NM_017780.4 (MANE Select); coding-DNA position 3721, C replaced by G.
Protein change: p.Leu1241Val; replaces leucine 1241 with valine.
Molecular consequence: missense variant. On other transcripts: intron variant (1).
Genome position (GRCh38, 1-based): chr8:60,830,520, C>G. VCF-style: chr8-60830520-C-G. GRCh37 (hg19) VCF-style: chr8-61743079-C-G.
Other names: c.1717-31709C>G (NM_001316690.1); short protein forms L1241V.
Identifiers: ClinVar variation 4746294 (VCV004746294.1).

ClinVar aggregate classification (germline): Uncertain significance (1 of 4 stars; one submission).

Conditions:
CHARGE syndrome (CHARGE). Also called: Hittner Hirsch Kreh syndrome; CHARGE ASSOCIATION--COLOBOMA, HEART ANOMALY, CHOANAL ATRESIA, RETARDATION, GENITAL AND EAR ANOMALIES; Coloboma, heart anomaly, choanal atresia, retardation, genital and ear anomalies; CHARGE association; Hall-Hittner syndrome. Identifiers: Orphanet 138, MedGen C0265354, MONDO:0008965.

Submission:

Labcorp Genetics (formerly Invitae), Labcorp
Classification: Uncertain significance for CHARGE syndrome. Last evaluated: 2025-11-04. Review status: criteria provided, single submitter. Criteria: Invitae Variant Classification Sherloc (09022015). Collection method: clinical testing. Allele origin: germline.
Comment: This sequence change replaces leucine, which is neutral and non-polar, with valine, which is neutral and non-polar, at codon 1241 of the CHD7 protein (p.Leu1241Val). This variant is not present in population databases (gnomAD no frequency). This variant has not been reported in the literature in individuals affected with CHD7-related conditions. Invitae Evidence Modeling of protein sequence and biophysical properties (such as structural, functional, and spatial information, amino acid conservation, physicochemical variation, residue mobility, and thermodynamic stability) indicates that this missense variant is expected to disrupt CHD7 protein function with a positive predictive value of 95%. In summary, the available evidence is currently insufficient to determine the role of this variant in disease. Therefore, it has been classified as a Variant of Uncertain Significance.